The following is an entry in ClinVar:

NM_000069.3(CACNA1S):c.5027G>A (p.Ser1676Asn)

Gene: CACNA1S (calcium voltage-gated channel subunit alpha1 S; minus strand). Cytogenetic location: 1q32.1.
Variant type: single nucleotide variant.
Coding change: c.5027G>A on transcript NM_000069.3 (MANE Select); coding-DNA position 5027, G replaced by A.
Protein change: p.Ser1676Asn; replaces serine 1676 with asparagine.
Molecular consequence: missense variant.
Genome position (GRCh38, 1-based): chr1:201,043,302, C>T on the plus strand (G>A on the coding strand, the complement: CACNA1S is on the minus strand). VCF-style: chr1-201043302-C-T. GRCh37 (hg19) VCF-style: chr1-201012430-C-T.
Other names: short protein forms S1676N.
Identifiers: ClinVar variation 3073942 (VCV003073942.1), dbSNP rs765275187, ClinGen allele CA083669.

ClinVar aggregate classification (germline): Uncertain significance (1 of 4 stars; one submission).

Conditions:
Malignant hyperthermia, susceptibility to, 5 (MHS5). Also called: CACNA1S-Related Malignant Hyperthermia Susceptibility. Identifiers: Orphanet 423, MedGen C1866077, MONDO:0011163, OMIM 601887.

Allele frequency attached by ClinVar (database versions not stated): ExAC 0.00001.

Submission:

All of Us Research Program, National Institutes of Health
Classification: Uncertain significance for Malignant hyperthermia, susceptibility to, 5. Last evaluated: 2023-11-30. Review status: criteria provided, single submitter. Criteria: ACMG Guidelines, 2015. Collection method: clinical testing. Allele origin: germline. Inheritance: Autosomal dominant inheritance. Observed: 1 variant allele, 1 heterozygote.
Comment: This study involves interpretation of variants in research participants for the purpose of population health screening. Participant phenotype was not available at the time of variant classification. Additional details can be found in publication PMID: 35346344, PMCID: PMC8962531